The following is an entry in ClinVar:

ClinVar aggregate classification (germline): Uncertain significance. Review status: criteria provided, multiple submitters, no conflicts (2 of 4 stars). 2 submissions from 2 submitters: Uncertain significance (2). Last evaluated 2025-07-30.

Conditions:
Chuvash polycythemia. Also called: POLYCYTHEMIA, VHL-DEPENDENT. Identifiers: Orphanet 238557, MedGen C1837915, MONDO:0009892, OMIM 263400.
Von Hippel-Lindau syndrome (VHLS). Also called: Von Hippel-Lindau; VHL syndrome; von Hippel–Lindau syndrome. Identifiers: Orphanet 892, MedGen C0019562, MONDO:0008667, OMIM 193300. Disease mechanism: loss of function.

Submissions (2):

Labcorp Genetics (formerly Invitae), Labcorp
Classification: Uncertain significance for Von Hippel-Lindau syndrome; Chuvash polycythemia. Last evaluated: 2025-07-30. Review status: criteria provided, single submitter. Criteria: Invitae Variant Classification Sherloc (09022015). Collection method: clinical testing. Allele origin: germline.
Comment: This sequence change replaces glutamine, which is neutral and polar, with histidine, which is basic and polar, at codon 73 of the VHL protein (p.Gln73His). This variant is not present in population databases (gnomAD no frequency). This variant has not been reported in the literature in individuals affected with VHL-related conditions. ClinVar contains an entry for this variant (Variation ID: 651175). Invitae Evidence Modeling of protein sequence and biophysical properties (such as structural, functional, and spatial information, amino acid conservation, physicochemical variation, residue mobility, and thermodynamic stability) indicates that this missense variant is expected to disrupt VHL protein function with a positive predictive value of 95%. In summary, the available evidence is currently insufficient to determine the role of this variant in disease. Therefore, it has been classified as a Variant of Uncertain Significance.

Baylor Genetics
Classification: Uncertain significance for Chuvash polycythemia. Last evaluated: 2023-07-31. Review status: criteria provided, single submitter. Criteria: ACMG Guidelines, 2015. Collection method: clinical testing. Allele origin: unknown.

NM_000551.4(VHL):c.219G>C (p.Gln73His)

Gene: VHL (von Hippel-Lindau tumor suppressor; plus strand). Cytogenetic location: 3p25.3.
Variant type: single nucleotide variant.
Coding change: c.219G>C on transcript NM_000551.4 (MANE Select); coding-DNA position 219, G replaced by C.
Protein change: p.Gln73His; replaces glutamine 73 with histidine.
Molecular consequence: missense variant.
Genome position (GRCh38, 1-based): chr3:10,142,066, G>C. VCF-style: chr3-10142066-G-C. GRCh37 (hg19) VCF-style: chr3-10183750-G-C.
Other names: c.219G>C, p.Gln73His (NM_001354723.2, NM_198156.3); short protein forms Q73H.
Identifiers: ClinVar variation 651175 (VCV000651175.12), dbSNP rs1575921862, ClinGen allele CA351749148.